The following is an entry in ClinVar:

ClinVar aggregate classification (germline): Uncertain significance (1 of 4 stars; one submission).

Conditions:
Familial cold autoinflammatory syndrome 2 (FCAS2). Identifiers: Orphanet 247868, MedGen C2673198, MONDO:0012724, OMIM 611762.

Submission:

Labcorp Genetics (formerly Invitae), Labcorp
Classification: Uncertain significance for Familial cold autoinflammatory syndrome 2. Last evaluated: 2023-01-15. Review status: criteria provided, single submitter. Criteria: Invitae Variant Classification Sherloc (09022015). Collection method: clinical testing. Allele origin: germline.
Comment: In summary, the available evidence is currently insufficient to determine the role of this variant in disease. Therefore, it has been classified as a Variant of Uncertain Significance. Advanced modeling of protein sequence and biophysical properties (such as structural, functional, and spatial information, amino acid conservation, physicochemical variation, residue mobility, and thermodynamic stability) performed at Invitae indicates that this missense variant is expected to disrupt NLRP12 protein function. This variant has not been reported in the literature in individuals affected with NLRP12-related conditions. This variant is not present in population databases (gnomAD no frequency). This sequence change replaces threonine, which is neutral and polar, with asparagine, which is neutral and polar, at codon 341 of the NLRP12 protein (p.Thr341Asn).

NM_144687.4(NLRP12):c.1022C>A (p.Thr341Asn)

Gene: NLRP12 (NLR family pyrin domain containing 12; minus strand). Cytogenetic location: 19q13.42.
Variant type: single nucleotide variant.
Coding change: c.1022C>A on transcript NM_144687.4 (MANE Select); coding-DNA position 1022, C replaced by A.
Protein change: p.Thr341Asn; replaces threonine 341 with asparagine.
Molecular consequence: missense variant.
Genome position (GRCh38, 1-based): chr19:53,810,637, G>T on the plus strand (C>A on the coding strand, the complement: NLRP12 is on the minus strand). VCF-style: chr19-53810637-G-T. GRCh37 (hg19) VCF-style: chr19-54313891-G-T.
Other names: c.1022C>A, p.Thr341Asn (NM_001277126.2, NM_001277129.1); short protein forms T341N.
Identifiers: ClinVar variation 2828878 (VCV002828878.3), dbSNP rs200996095, ClinGen allele CA407415149.